The following is an entry in ClinVar:

ClinVar aggregate classification (germline): Uncertain significance (1 of 4 stars; one submission).

Submission:

Labcorp Genetics (formerly Invitae), Labcorp
Classification: Uncertain significance. Last evaluated: 2025-07-31. Review status: criteria provided, single submitter. Criteria: Invitae Variant Classification Sherloc (09022015). Collection method: clinical testing. Allele origin: germline.
Comment: This sequence change replaces tryptophan, which is neutral and slightly polar, with cysteine, which is neutral and slightly polar, at codon 425 of the LRP5 protein (p.Trp425Cys). This variant is not present in population databases (gnomAD no frequency). This variant has not been reported in the literature in individuals affected with LRP5-related conditions. Invitae Evidence Modeling of protein sequence and biophysical properties (such as structural, functional, and spatial information, amino acid conservation, physicochemical variation, residue mobility, and thermodynamic stability) indicates that this missense variant is expected to disrupt LRP5 protein function with a positive predictive value of 95%. In summary, the available evidence is currently insufficient to determine the role of this variant in disease. Therefore, it has been classified as a Variant of Uncertain Significance.

NM_002335.4(LRP5):c.1275G>C (p.Trp425Cys)

Gene: LRP5 (LDL receptor related protein 5; plus strand). Cytogenetic location: 11q13.2.
Variant type: single nucleotide variant.
Coding change: c.1275G>C on transcript NM_002335.4 (MANE Select); coding-DNA position 1275, G replaced by C.
Protein change: p.Trp425Cys; replaces tryptophan 425 with cysteine.
Molecular consequence: missense variant. On other transcripts: 5 prime UTR variant (1).
Genome position (GRCh38, 1-based): chr11:68,386,575, G>C. VCF-style: chr11-68386575-G-C. GRCh37 (hg19) VCF-style: chr11-68154043-G-C.
Other names: c.-491G>C (NM_001291902.2); short protein forms W425C.
Identifiers: ClinVar variation 4800452 (VCV004800452.1).